The following is an entry in ClinVar:

ClinVar aggregate classification (germline): Uncertain significance (1 of 4 stars; one submission).

Conditions:
Parathyroid carcinoma (PRTC). Also called: CDC73-Related Parathyroid Carcinoma; Parathyroid gland carcinoma. Identifiers: Orphanet 143, MedGen C0687150, MONDO:0012004, OMIM 608266, HP:0006780.

Submission:

Labcorp Genetics (formerly Invitae), Labcorp
Classification: Uncertain significance for Parathyroid carcinoma. Last evaluated: 2019-08-19. Review status: criteria provided, single submitter. Criteria: Invitae Variant Classification Sherloc (09022015). Collection method: clinical testing. Allele origin: germline.
Comment: This variant has not been reported in the literature in individuals with CDC73-related conditions. Algorithms developed to predict the effect of missense changes on protein structure and function (SIFT, PolyPhen-2, Align-GVGD) all suggest that this variant is likely to be tolerated, but these predictions have not been confirmed by published functional studies and their clinical significance is uncertain. In summary, the available evidence is currently insufficient to determine the role of this variant in disease. Therefore, it has been classified as a Variant of Uncertain Significance. This sequence change replaces proline with serine at codon 271 of the CDC73 protein (p.Pro271Ser). The proline residue is moderately conserved and there is a moderate physicochemical difference between proline and serine. This variant is not present in population databases (ExAC no frequency).

NM_024529.5(CDC73):c.811C>T (p.Pro271Ser)

Gene: CDC73 (cell division cycle 73; plus strand). Cytogenetic location: 1q31.2.
Variant type: single nucleotide variant.
Coding change: c.811C>T on transcript NM_024529.5 (MANE Select); coding-DNA position 811, C replaced by T.
Protein change: p.Pro271Ser; replaces proline 271 with serine.
Molecular consequence: missense variant.
Genome position (GRCh38, 1-based): chr1:193,147,948, C>T. VCF-style: chr1-193147948-C-T. GRCh37 (hg19) VCF-style: chr1-193117078-C-T.
Other names: short protein forms P271S.
Identifiers: ClinVar variation 948847 (VCV000948847.10), dbSNP rs765029460, ClinGen allele CA343964188.